The following is an entry in ClinVar:

ClinVar aggregate classification (germline): Uncertain significance (1 of 4 stars; one submission).

gnomAD v4.1: 1 of 1,611,166 alleles (0.000062%); highest among the groups gnomAD compares: Non-Finnish European, 0.000085%; no homozygotes.

Submission:

Ambry Genetics
Classification: Uncertain significance. Last evaluated: 2024-02-28. Review status: criteria provided, single submitter. Criteria: Ambry Variant Classification Scheme 2023. Collection method: clinical testing. Allele origin: germline.
Comment: The p.R102K variant (also known as c.305G>A), located in coding exon 4 of the RINT1 gene, results from a G to A substitution at nucleotide position 305. The arginine at codon 102 is replaced by lysine, an amino acid with highly similar properties. This amino acid position is conserved. In addition, this alteration is predicted to be tolerated by in silico analysis. Based on the available evidence, the clinical significance of this alteration remains unclear.

NM_021930.6(RINT1):c.305G>A (p.Arg102Lys)

Gene: RINT1 (RAD50 interactor 1; plus strand). Cytogenetic location: 7q22.3.
Variant type: single nucleotide variant.
Coding change: c.305G>A on transcript NM_021930.6 (MANE Select); coding-DNA position 305, G replaced by A.
Protein change: p.Arg102Lys; replaces arginine 102 with lysine.
Molecular consequence: missense variant. On other transcripts: 5 prime UTR variant (3), non-coding transcript variant (1).
Genome position (GRCh38, 1-based): chr7:105,542,439, G>A. VCF-style: chr7-105542439-G-A. GRCh37 (hg19) VCF-style: chr7-105182886-G-A.
Other names: c.71G>A, p.Arg24Lys (NM_001346599.2); c.-715G>A (NM_001346600.2); c.-618G>A (NM_001346601.2); c.-238G>A (NM_001346603.2); short protein forms R102K, R24K.
Identifiers: ClinVar variation 3227651 (VCV003227651.1), dbSNP rs2485112352, ClinGen allele CA368802885.